The following is an entry in ClinVar:

ClinVar aggregate classification (germline): Benign/Likely benign. Review status: criteria provided, multiple submitters, no conflicts (2 of 4 stars). 4 submissions from 4 submitters: Benign (2); Likely benign (1). 1 of the submissions does not count toward it. Last evaluated 2026-01-20.

Conditions:
FAT4-related disorder. Also called: FAT4-related condition.

Allele frequency attached by ClinVar (database versions not stated): gnomAD exomes 0.00046 and 0.00129; ExAC 0.00176; 1000 Genomes Project 0.00459; gnomAD 0.00498 and 0.00540; 1000 Genomes Project 30x 0.00547; TOPMed 0.00573; ESP Exome Variant Server 0.00669.
gnomAD v4.1: 1,461 of 1,614,100 alleles (0.091%); highest among the groups gnomAD compares: African/African-American, 1.8%; 13 homozygotes.

Submissions (4):

Labcorp Genetics (formerly Invitae), Labcorp
Classification: Benign. Last evaluated: 2026-01-20. Review status: criteria provided, single submitter. Criteria: Invitae Variant Classification Sherloc (09022015). Collection method: clinical testing. Allele origin: germline.

Blueprint Genetics
Classification: Likely benign. Last evaluated: 2024-07-14. Review status: criteria provided, single submitter. Criteria: ACMG Guidelines, 2015. Collection method: clinical testing. Allele origin: germline.

GeneDx
Classification: Benign. Last evaluated: 2020-02-20. Review status: criteria provided, single submitter. Criteria: GeneDx Variant Classification Process June 2021. Collection method: clinical testing. Allele origin: germline. Affected: yes.

PreventionGenetics, part of Exact Sciences
Classification: Benign for FAT4-related condition. Last evaluated: 2022-10-04. Review status: no assertion criteria provided. Collection method: clinical testing. Allele origin: germline. Not counted in ClinVar's aggregate classification.
Comment: This variant is classified as benign based on ACMG/AMP sequence variant interpretation guidelines (Richards et al. 2015 PMID: 25741868, with internal and published modifications).

NM_001291303.3(FAT4):c.6478A>G (p.Lys2160Glu)

Gene: FAT4 (FAT atypical cadherin 4; plus strand). Cytogenetic location: 4q28.1.
Variant type: single nucleotide variant.
Coding change: c.6478A>G on transcript NM_001291303.3 (MANE Select); coding-DNA position 6478, A replaced by G.
Protein change: p.Lys2160Glu; replaces lysine 2160 with glutamic acid.
Molecular consequence: missense variant.
Genome position (GRCh38, 1-based): chr4:125,415,441, A>G. VCF-style: chr4-125415441-A-G. GRCh37 (hg19) VCF-style: chr4-126336596-A-G.
Other names: c.6478A>G, p.Lys2160Glu (NM_001291285.3, NM_024582.6); short protein forms K2160E.
Identifiers: ClinVar variation 386576 (VCV000386576.17), dbSNP rs75942329, ClinGen allele CA3072924.